The following is an entry in ClinVar:

NM_000031.6(ALAD):c.80A>G (p.Asn27Ser)

Gene: ALAD (aminolevulinate dehydratase; minus strand). Cytogenetic location: 9q32.
Variant type: single nucleotide variant.
Coding change: c.80A>G on transcript NM_000031.6 (MANE Select); coding-DNA position 80, A replaced by G.
Protein change: p.Asn27Ser; replaces asparagine 27 with serine.
Molecular consequence: missense variant. On other transcripts: initiator codon variant (1).
Genome position (GRCh38, 1-based): chr9:113,393,480, T>C on the plus strand (A>G on the coding strand, the complement: ALAD is on the minus strand). VCF-style: chr9-113393480-T-C. GRCh37 (hg19) VCF-style: chr9-116155760-T-C.
Other names: c.1A>G, p.Met1Val (NM_001003945.3); c.107A>G, p.Asn36Ser (NM_001317745.2); short protein forms N27S, M1V, N36S.
Identifiers: ClinVar variation 1449499 (VCV001449499.6), dbSNP rs980453242, ClinGen allele CA198549224.

ClinVar aggregate classification (germline): Uncertain significance (1 of 4 stars; one submission).

Allele frequency attached by ClinVar (database versions not stated): gnomAD exomes below 0.00001 and 0.00001; TOPMed below 0.00001; gnomAD 0.00001 and 0.00002.
gnomAD v4.1: 10 of 1,598,424 alleles (0.00063%); highest among the groups gnomAD compares: East Asian, 0.0023%; no homozygotes.

Submission:

Labcorp Genetics (formerly Invitae), Labcorp
Classification: Uncertain significance. Last evaluated: 2022-06-05. Review status: criteria provided, single submitter. Criteria: Invitae Variant Classification Sherloc (09022015). Collection method: clinical testing. Allele origin: germline.
Comment: This variant is present in population databases (no rsID available, gnomAD no frequency). This variant has not been reported in the literature in individuals affected with ALAD-related conditions. ClinVar contains an entry for this variant (Variation ID: 1449499). Algorithms developed to predict the effect of missense changes on protein structure and function output the following: SIFT: "Tolerated"; PolyPhen-2: "Benign"; Align-GVGD: "Class C0". The serine amino acid residue is found in multiple mammalian species, which suggests that this missense change does not adversely affect protein function. Algorithms developed to predict the effect of sequence changes on RNA splicing suggest that this variant may create or strengthen a splice site. In summary, the available evidence is currently insufficient to determine the role of this variant in disease. Therefore, it has been classified as a Variant of Uncertain Significance. This sequence change replaces asparagine, which is neutral and polar, with serine, which is neutral and polar, at codon 27 of the ALAD protein (p.Asn27Ser).